The following is an entry in ClinVar:

ClinVar aggregate classification (germline): Conflicting classifications of pathogenicity. Review status: criteria provided, conflicting classifications (1 of 4 stars). 9 submissions from 9 submitters: Pathogenic (3); Likely pathogenic (3); Uncertain significance (1). 2 of the submissions do not count toward it. Last evaluated 2025-10-03.

Conditions:
SLC7A9-related disorder. Also called: SLC7A9-related condition.
Cystinuria (CSNU). Also called: Cystinuria, non-type I; CYSTINURIA, TYPE I; CYSTINURIA, TYPE II; CYSTINURIA, TYPE III. Identifiers: Orphanet 214, MedGen C0010691, MONDO:0009067, OMIM 220100, HP:0003131.

Allele frequency attached by ClinVar (database versions not stated): ESP Exome Variant Server 0.00015; ExAC 0.00002.

Submissions (9):

Rare Kidney Stone Consortium and the Mayo Clinic Hyperoxaluria Center, Mayo Clinic
Classification: Pathogenic for Cystinuria. Last evaluated: 2025-10-03. Review status: criteria provided, single submitter. Criteria: ACMG Guidelines, 2015. Collection method: research. Allele origin: germline. Affected: yes. Observed: 2 variant alleles.
Comment: ACMG:PM2, PM3, PP3

Variantyx, Inc.
Classification: Pathogenic for Cystinuria. Last evaluated: 2025-06-19. Review status: criteria provided, single submitter. Criteria: Variantyx Assertion Criteria 2022. Collection method: clinical testing. Allele origin: germline. Inheritance: Autosomal dominant inheritance. Affected: no.
Comment: This is a synonymous variant in the SLC7A9 gene (OMIM: 604144). Pathogenic variants in this gene have been associated with autosomal semidominant cystinuria. This variant is predicted to cause exon skipping, which is expected to result in loss of function, a known disease mechanism for SLC7A9 in this disorder (PMID: 28717662) (PVS1). This variant has been identified in the homozygous or compound heterozygous state in at least 5 individuals reported in the published literature (PMID: 28717662, 25109415), (PM3). It has a 0.0128% maximum allele frequency in non-founder control populations (PM2). Based on the current evidence, this variant is classified as pathogenic for autosomal semi dominant cystinuria.

GeneDx
Classification: Uncertain significance. Last evaluated: 2024-01-25. Review status: criteria provided, single submitter. Criteria: GeneDx Variant Classification Process June 2021. Collection method: clinical testing. Allele origin: germline. Affected: yes.
Comment: Identified with a second SLC7A9 variant in an individual with cystinuria, but it is not known whether the variants occurred on the same (in cis) or on different (in trans) chromosomes, and additional clinical information was not provided (PMID: 28717662); Identified in individuals with cystinuria, however, the full genotype of these individuals was not included (PMID: 25109415); RNA studies demonstrate that this variant results in skipping of exon 3, resulting in an out-of-frame transcript (PMID: 28717662); This variant is associated with the following publications: (PMID: 25109415, 28717662)

Department of Pathology and Laboratory Medicine, Sinai Health System
Classification: Likely pathogenic for Cystinuria. Last evaluated: 2023-09-27. Review status: criteria provided, single submitter. Criteria: ACMG Guidelines, 2015. Collection method: research. Allele origin: germline.

Labcorp Genetics (formerly Invitae), Labcorp
Classification: Pathogenic. Last evaluated: 2023-08-17. Review status: criteria provided, single submitter. Criteria: Invitae Variant Classification Sherloc (09022015). Collection method: clinical testing. Allele origin: germline.
Comment: For these reasons, this variant has been classified as Pathogenic. Studies have shown that this variant is associated with altered splicing resulting in multiple RNA products (PMID: 28717662). ClinVar contains an entry for this variant (Variation ID: 1299853). This variant has been observed in individual(s) with autosomal recessive and dominant cystinuria (PMID: 25109415, 28717662). In at least one individual the data is consistent with being in trans (on the opposite chromosome) from a pathogenic variant. This variant is present in population databases (rs140179068, gnomAD 0.007%). This sequence change affects codon 40 of the SLC7A9 mRNA. It is a 'silent' change, meaning that it does not change the encoded amino acid sequence of the SLC7A9 protein.

Genetics and Molecular Pathology, SA Pathology
Classification: Likely pathogenic for Cystinuria. Last evaluated: 2022-03-28. Review status: criteria provided, single submitter. Criteria: ACMG Guidelines, 2015. Collection method: clinical testing. Allele origin: germline. Affected: yes.

Blueprint Genetics
Classification: Likely pathogenic for SLC7A9-related disorders. Last evaluated: 2019-12-02. Review status: criteria provided, single submitter. Criteria: ACMG Guidelines, 2015. Collection method: clinical testing. Allele origin: germline. Affected: yes. Observed: 2 variant alleles.

Genome Diagnostics Laboratory, University Medical Center Utrecht
Classification: Likely pathogenic. Review status: no assertion criteria provided. Collection method: clinical testing. Allele origin: germline. Affected: yes. Study: VKGL Data-share Consensus. Not counted in ClinVar's aggregate classification.

Joint Genome Diagnostic Labs from Nijmegen and Maastricht, Radboudumc and MUMC+
Classification: Likely pathogenic. Review status: no assertion criteria provided. Collection method: clinical testing. Allele origin: germline. Affected: yes. Study: VKGL Data-share Consensus. Not counted in ClinVar's aggregate classification.

Literature cited by the submitters: PubMed 25109415 (cited by 3 submitters); PubMed 40794449 (cited by Rare Kidney Stone Consortium and the Mayo Clinic Hyperoxaluria Center, Mayo Clinic); PubMed 28717662 (cited by Variantyx, Inc. and Labcorp Genetics (formerly Invitae), Labcorp).

NM_014270.5(SLC7A9):c.120G>A (p.Val40=)

Gene: SLC7A9 (solute carrier family 7 member 9; minus strand). Cytogenetic location: 19q13.11.
Variant type: single nucleotide variant.
Coding change: c.120G>A on transcript NM_014270.5 (MANE Select); coding-DNA position 120, G replaced by A.
Protein change: p.Val40=; no amino-acid change (valine 40 retained).
Molecular consequence: synonymous variant.
Genome position (GRCh38, 1-based): chr19:32,864,744, C>T on the plus strand (G>A on the coding strand, the complement: SLC7A9 is on the minus strand). VCF-style: chr19-32864744-C-T. GRCh37 (hg19) VCF-style: chr19-33355650-C-T.
Other names: c.120G>A (NM_014270.4); c.120G>A, p.Val40= (NM_001126335.2, NM_001243036.2).
Identifiers: ClinVar variation 1299853 (VCV001299853.16), dbSNP rs140179068, ClinGen allele CA9358941.